The following is an entry in ClinVar:

ClinVar aggregate classification (germline): Uncertain significance (1 of 4 stars; one submission).

Submission:

Labcorp Genetics (formerly Invitae), Labcorp
Classification: Uncertain significance. Last evaluated: 2023-12-03. Review status: criteria provided, single submitter. Criteria: Invitae Variant Classification Sherloc (09022015). Collection method: clinical testing. Allele origin: germline.
Comment: This sequence change replaces alanine, which is neutral and non-polar, with valine, which is neutral and non-polar, at codon 1679 of the TRRAP protein (p.Ala1679Val). This variant is not present in population databases (gnomAD no frequency). This variant has not been reported in the literature in individuals affected with TRRAP-related conditions. Advanced modeling of protein sequence and biophysical properties (such as structural, functional, and spatial information, amino acid conservation, physicochemical variation, residue mobility, and thermodynamic stability) performed at Invitae indicates that this missense variant is not expected to disrupt TRRAP protein function with a negative predictive value of 80%. In summary, the available evidence is currently insufficient to determine the role of this variant in disease. Therefore, it has been classified as a Variant of Uncertain Significance.

NM_001375524.1(TRRAP):c.5111C>T (p.Ala1704Val)

Genes: TRRAP (transformation/transcription domain associated protein; plus strand), LOC126860121 (MED14-independent group 3 enhancer GRCh37_chr7:98547245-98548444; plus strand). Cytogenetic location: 7q22.1.
Variant type: single nucleotide variant.
Coding change: c.5111C>T on transcript NM_001375524.1 (MANE Select); coding-DNA position 5111, C replaced by T.
Protein change: p.Ala1704Val; replaces alanine 1704 with valine.
Molecular consequence: missense variant.
Genome position (GRCh38, 1-based): chr7:98,949,817, C>T. VCF-style: chr7-98949817-C-T. GRCh37 (hg19) VCF-style: chr7-98547440-C-T.
Other names: c.5090C>T, p.Ala1697Val (NM_001244580.2); c.5036C>T, p.Ala1679Val (NM_003496.4); short protein forms A1679V, A1697V, A1704V.
Identifiers: ClinVar variation 2700731 (VCV002700731.3), dbSNP rs2484853169, ClinGen allele CA368314638.